The following is an entry in ClinVar:

NC_000018.10:g.(?_55228205)_(55403734_?)dup

Gene: TCF4 (transcription factor 4; minus strand). Cytogenetic location: 18q21.2.
Variant type: Duplication.
Identifiers: ClinVar variation 832036 (VCV000832036.6).

ClinVar aggregate classification (germline): Uncertain significance (1 of 4 stars; one submission).

Conditions:
Pitt-Hopkins syndrome (PTHS). Also called: ENCEPHALOPATHY, SEVERE EPILEPTIC, WITH AUTONOMIC DYSFUNCTION; MENTAL RETARDATION, SYNDROMAL, WITH INTERMITTENT HYPERVENTILATION. Identifiers: Orphanet 2896, MedGen C1970431, MONDO:0012589, OMIM 610954.

Submission:

Labcorp Genetics (formerly Invitae), Labcorp
Classification: Uncertain significance for Pitt-Hopkins syndrome. Last evaluated: 2019-01-27. Review status: criteria provided, single submitter. Criteria: Invitae Variant Classification Sherloc (09022015). Collection method: clinical testing. Allele origin: germline.
Comment: This variant has not been reported in the literature in individuals with TCF4-related conditions. This variant results in a copy number gain of the genomic region encompassing exons 6-19 of the TCF4 gene. The 5' boundary is likely confined to intron 5. The 3' end of this event is unknown as it extends beyond the assayed region for this gene and therefore may encompass additional genes. As the precise location of this event is unknown, it may be in tandem or it may be located elsewhere in the genome. In summary, the available evidence is currently insufficient to determine the role of this variant in disease. Therefore, it has been classified as a Variant of Uncertain Significance.